The following is an entry in ClinVar:

NM_003560.4(PLA2G6):c.1834C>T (p.Arg612Cys)

Gene: PLA2G6 (phospholipase A2 group VI; minus strand). Cytogenetic location: 22q13.1.
Variant type: single nucleotide variant.
Coding change: c.1834C>T on transcript NM_003560.4 (MANE Select); coding-DNA position 1834, C replaced by T.
Protein change: p.Arg612Cys; replaces arginine 612 with cysteine.
Molecular consequence: missense variant.
Genome position (GRCh38, 1-based): chr22:38,116,120, G>A on the plus strand (C>T on the coding strand, the complement: PLA2G6 is on the minus strand). VCF-style: chr22-38116120-G-A. GRCh37 (hg19) VCF-style: chr22-38512127-G-A.
Other names: c.1672C>T, p.Arg558Cys (NM_001004426.3, NM_001199562.3, NM_001349865.2 and 1 more transcripts); c.1834C>T, p.Arg612Cys (NM_001349864.2); c.1300C>T, p.Arg434Cys (NM_001349867.2); c.1156C>T, p.Arg386Cys (NM_001349868.2); c.1138C>T, p.Arg380Cys (NM_001349869.2); c.1834C>T (NM_003560.2); short protein forms R380C, R434C, R612C, R386C, R558C.
Identifiers: ClinVar variation 2055824 (VCV002055824.3), dbSNP rs753792105, ClinGen allele CA10230707.
Genomic context (GRCh38, chr22:38,116,120, plus strand): 5'-AAACATGGTTTAAACCTGAGGGCTGAGCTGGAGGCCTGAGGTTAACGTTCTGGTTGAAAC[G>A]AGGCTCCCGGACAGTTTCTGGAGCATCGTAGTTCCGGAAGAGGTGGAGTTCAGCCGGCTG-3'
Protein context (NP_003551.2, residues 602-622): YDAPETVREP[Arg612Cys]FNQNVNLRPP

ClinVar aggregate classification (germline): Uncertain significance. Review status: criteria provided, multiple submitters, no conflicts (2 of 4 stars). 3 submissions from 3 submitters: Uncertain significance (3). Last evaluated 2024-05-15.

Conditions:
Inborn genetic diseases. Identifiers: MedGen C0950123, MeSH D030342.
Autosomal recessive Parkinson disease 14. Also called: PARKINSON DISEASE 14; DYSTONIA-PARKINSONISM, ADULT-ONSET. Identifiers: Orphanet 199351, MedGen C2751842, MONDO:0013060, OMIM 612953.
Infantile neuroaxonal dystrophy (NBIA2A). Also called: NEURODEGENERATION WITH BRAIN IRON ACCUMULATION 2A; SEITELBERGER DISEASE; Infantile neuroaxonal dystrophy 1. Identifiers: Orphanet 35069, MedGen C0270724, MONDO:0024457, OMIM 256600.
Neurodegeneration with brain iron accumulation 2B. Also called: NEUROAXONAL DYSTROPHY, ATYPICAL; NEURODEGENERATION WITH BRAIN IRON ACCUMULATION, PLA2G6-RELATED; aNAD; atypical Neuroaxonal Dystrophy (aNAD). Identifiers: Orphanet 35069, MedGen C1857747, MONDO:0012444, OMIM 610217.

Allele frequency attached by ClinVar (database versions not stated): ExAC 0.00013; TOPMed 0.00005; gnomAD exomes 0.00008.
gnomAD v4.1: 112 of 1,614,096 alleles (0.0069%); highest among the groups gnomAD compares: South Asian, 0.065%; no homozygotes.

Submissions (3):

Ambry Genetics
Classification: Uncertain significance for Inborn genetic diseases. Last evaluated: 2024-05-15. Review status: criteria provided, single submitter. Criteria: Ambry Variant Classification Scheme 2023. Collection method: clinical testing. Allele origin: germline.

Department of Pathology and Laboratory Medicine, Sinai Health System
Classification: Uncertain significance for Infantile neuroaxonal dystrophy; Neurodegeneration with brain iron accumulation 2B; Autosomal recessive Parkinson disease 14. Last evaluated: 2022-07-25. Review status: criteria provided, single submitter. Criteria: ACMG Guidelines, 2015. Collection method: research. Allele origin: germline.

Labcorp Genetics (formerly Invitae), Labcorp
Classification: Uncertain significance for Infantile neuroaxonal dystrophy. Last evaluated: 2022-07-25. Review status: criteria provided, single submitter. Criteria: Invitae Variant Classification Sherloc (09022015). Collection method: clinical testing. Allele origin: germline.
Comment: This sequence change replaces arginine, which is basic and polar, with cysteine, which is neutral and slightly polar, at codon 612 of the PLA2G6 protein (p.Arg612Cys). This variant is present in population databases (rs753792105, gnomAD 0.07%). This variant has not been reported in the literature in individuals affected with PLA2G6-related conditions. Algorithms developed to predict the effect of missense changes on protein structure and function are either unavailable or do not agree on the potential impact of this missense change (SIFT: "Tolerated"; PolyPhen-2: "Possibly Damaging"; Align-GVGD: "Class C0"). In summary, the available evidence is currently insufficient to determine the role of this variant in disease. Therefore, it has been classified as a Variant of Uncertain Significance.